The following is an entry in ClinVar:

NM_015102.5(NPHP4):c.4099G>A (p.Asp1367Asn)

Gene: NPHP4 (nephrocystin 4; minus strand). Cytogenetic location: 1p36.31.
Variant type: single nucleotide variant.
Coding change: c.4099G>A on transcript NM_015102.5 (MANE Select); coding-DNA position 4099, G replaced by A.
Protein change: p.Asp1367Asn; replaces aspartic acid 1367 with asparagine.
Molecular consequence: missense variant. On other transcripts: non-coding transcript variant (1).
Genome position (GRCh38, 1-based): chr1:5,863,931, C>T on the plus strand (G>A on the coding strand, the complement: NPHP4 is on the minus strand). VCF-style: chr1-5863931-C-T. GRCh37 (hg19) VCF-style: chr1-5923991-C-T.
Other names: c.2560G>A, p.Asp854Asn (NM_001291593.2); c.2563G>A, p.Asp855Asn (NM_001291594.2); short protein forms D1367N, D854N, D855N.
Identifiers: ClinVar variation 595271 (VCV000595271.14), dbSNP rs367636423, ClinGen allele CA553355.

ClinVar aggregate classification (germline): Conflicting classifications of pathogenicity. Review status: criteria provided, conflicting classifications (1 of 4 stars). 7 submissions from 7 submitters: Uncertain significance (5); Likely benign (1). 1 of the submissions does not count toward it. Last evaluated 2024-12-13.

Conditions:
NPHP4-related disorder. Also called: NPHP4-related disorders; NPHP4-related condition. Identifiers: MedGen CN239384.
Inborn genetic diseases. Identifiers: MedGen C0950123, MeSH D030342.
Nephronophthisis 4 (NPHP4). Also called: NEPHRONOPHTHISIS 4, JUVENILE. Identifiers: Orphanet 655, MedGen C1847013, MONDO:0011752, OMIM 606966.
Senior-Loken syndrome 4 (SLSN4). Identifiers: Orphanet 3156, MedGen C1846979, MONDO:0011756, OMIM 606996.
Nephronophthisis. Also called: Juvenile Nephronophthisis. Identifiers: Orphanet 655, MedGen C0687120, MONDO:0019005, HP:0000090.

Allele frequency attached by ClinVar (database versions not stated): ExAC 0.00008; ESP Exome Variant Server 0.00008; gnomAD 0.00014; TOPMed 0.00017.
gnomAD v4.1: 75 of 1,613,766 alleles (0.0046%); highest among the groups gnomAD compares: African/African-American, 0.032%; no homozygotes.

Submissions (7):

Ambry Genetics
Classification: Uncertain significance for Inborn genetic diseases. Last evaluated: 2024-12-13. Review status: criteria provided, single submitter. Criteria: Ambry Variant Classification Scheme 2023. Collection method: clinical testing. Allele origin: germline.

Blueprint Genetics
Classification: Likely benign. Last evaluated: 2024-11-25. Review status: criteria provided, single submitter. Criteria: ACMG Guidelines, 2015. Collection method: clinical testing. Allele origin: germline.

Fulgent Genetics
Classification: Uncertain significance for Nephronophthisis 4; Senior-Loken syndrome 4. Last evaluated: 2024-02-20. Review status: criteria provided, single submitter. Criteria: ACMG Guidelines, 2015. Collection method: clinical testing. Allele origin: germline.

Labcorp Genetics (formerly Invitae), Labcorp
Classification: Uncertain significance for Nephronophthisis. Last evaluated: 2022-07-18. Review status: criteria provided, single submitter. Criteria: Invitae Variant Classification Sherloc (09022015). Collection method: clinical testing. Allele origin: germline.
Comment: This sequence change replaces aspartic acid, which is acidic and polar, with asparagine, which is neutral and polar, at codon 1367 of the NPHP4 protein (p.Asp1367Asn). This variant is present in population databases (rs367636423, gnomAD 0.05%). This variant has not been reported in the literature in individuals affected with NPHP4-related conditions. ClinVar contains an entry for this variant (Variation ID: 595271). Algorithms developed to predict the effect of missense changes on protein structure and function output the following: SIFT: "Tolerated"; PolyPhen-2: "Benign"; Align-GVGD: "Class C0". The asparagine amino acid residue is found in multiple mammalian species, which suggests that this missense change does not adversely affect protein function. In summary, the available evidence is currently insufficient to determine the role of this variant in disease. Therefore, it has been classified as a Variant of Uncertain Significance.

Baylor Genetics
Classification: Uncertain significance for Nephronophthisis 4. Last evaluated: 2018-06-01. Review status: criteria provided, single submitter. Criteria: ACMG Guidelines, 2015. Collection method: clinical testing. Allele origin: unknown. Affected: yes.
Comment: This variant was determined to be of uncertain significance according to ACMG Guidelines, 2015 [PMID:25741868].

Eurofins Ntd Llc (ga)
Classification: Uncertain significance. Last evaluated: 2017-12-06. Review status: criteria provided, single submitter. Criteria: EGL Classification Definitions 2015. Collection method: clinical testing. Allele origin: germline. Observed: 1 variant allele, 1 heterozygote.

PreventionGenetics, part of Exact Sciences
Classification: Uncertain significance for NPHP4-related condition. Last evaluated: 2024-03-29. Review status: no assertion criteria provided. Collection method: clinical testing. Allele origin: germline. Not counted in ClinVar's aggregate classification.
Comment: The NPHP4 c.4099G>A variant is predicted to result in the amino acid substitution p.Asp1367Asn. To our knowledge, this variant has not been reported in the literature. This variant is reported in 0.046% of alleles in individuals of African descent in gnomAD. At this time, the clinical significance of this variant is uncertain due to the absence of conclusive functional and genetic evidence.